The following is an entry in ClinVar:

NM_014915.3(ANKRD26):c.436G>A (p.Gly146Ser)

Gene: ANKRD26 (ankyrin repeat domain 26; minus strand). Cytogenetic location: 10p12.1.
Variant type: single nucleotide variant.
Coding change: c.436G>A on transcript NM_014915.3 (MANE Select); coding-DNA position 436, G replaced by A.
Protein change: p.Gly146Ser; replaces glycine 146 with serine.
Molecular consequence: missense variant.
Genome position (GRCh38, 1-based): chr10:27,093,444, C>T on the plus strand (G>A on the coding strand, the complement: ANKRD26 is on the minus strand). VCF-style: chr10-27093444-C-T. GRCh37 (hg19) VCF-style: chr10-27382373-C-T.
Other names: c.436G>A, p.Gly146Ser (NM_001256053.2); short protein forms G146S.
Identifiers: ClinVar variation 2514774 (VCV002514774.4), dbSNP rs756910865, ClinGen allele CA5448940.

ClinVar aggregate classification (germline): Uncertain significance. Review status: criteria provided, multiple submitters, no conflicts (2 of 4 stars). 2 submissions from 2 submitters: Uncertain significance (2). Last evaluated 2025-07-10.

Conditions:
Inborn genetic diseases. Identifiers: MedGen C0950123, MeSH D030342.

Allele frequency attached by ClinVar (database versions not stated): gnomAD exomes 0.00001; gnomAD 0.00002; ExAC 0.00003; TOPMed 0.00004.
gnomAD v4.1: 15 of 1,614,132 alleles (0.00093%); highest among the groups gnomAD compares: East Asian, 0.033%; no homozygotes.

Submissions (2):

Labcorp Genetics (formerly Invitae), Labcorp
Classification: Uncertain significance. Last evaluated: 2025-07-10. Review status: criteria provided, single submitter. Criteria: Invitae Variant Classification Sherloc (09022015). Collection method: clinical testing. Allele origin: germline.
Comment: This sequence change replaces glycine, which is neutral and non-polar, with serine, which is neutral and polar, at codon 146 of the ANKRD26 protein (p.Gly146Ser). This variant is present in population databases (rs756910865, gnomAD 0.05%). This variant has not been reported in the literature in individuals affected with ANKRD26-related conditions. ClinVar contains an entry for this variant (Variation ID: 2514774). An algorithm developed to predict the effect of missense changes on protein structure and function (PolyPhen-2) suggests that this variant is likely to be disruptive. In summary, the available evidence is currently insufficient to determine the role of this variant in disease. Therefore, it has been classified as a Variant of Uncertain Significance.

Ambry Genetics
Classification: Uncertain significance for Inborn genetic diseases. Last evaluated: 2024-11-18. Review status: criteria provided, single submitter. Criteria: Ambry Variant Classification Scheme 2023. Collection method: clinical testing. Allele origin: germline.
Comment: The p.G146S variant (also known as c.436G>A), located in coding exon 3 of the ANKRD26 gene, results from a G to A substitution at nucleotide position 436. The glycine at codon 146 is replaced by serine, an amino acid with similar properties. This amino acid position is conserved. In addition, the in silico prediction for this alteration is inconclusive. Based on the available evidence, the clinical significance of this variant remains unclear.